The following is an entry in ClinVar:

ClinVar aggregate classification (germline): Likely benign. Review status: criteria provided, multiple submitters, no conflicts (2 of 4 stars). 4 submissions from 4 submitters: Likely benign (4). Last evaluated 2024-02-05.

Conditions:
Cardiomyopathy (CMYO). Also called: Cardiomyopathies. Identifiers: Orphanet 167848, MedGen C0878544, MONDO:0004994, HP:0001638. Inheritance: Various modes of inheritance.
Hypertrophic cardiomyopathy. Also called: HYPERTROPHIC MYOCARDIOPATHY. Identifiers: Orphanet 217569, MedGen C0007194, MeSH D002312, MONDO:0005045, HP:0001639.
Cardiovascular phenotype. Identifiers: MedGen CN230736.

Allele frequency attached by ClinVar (database versions not stated): gnomAD exomes below 0.00001 and 0.00002.
gnomAD v4.1: 26 of 1,612,558 alleles (0.0016%); highest among the groups gnomAD compares: Non-Finnish European, 0.0021%; no homozygotes.

Submissions (4):

Ambry Genetics
Classification: Likely benign for Cardiovascular phenotype. Last evaluated: 2024-02-05. Review status: criteria provided, single submitter. Criteria: Ambry Variant Classification Scheme 2023. Collection method: clinical testing. Allele origin: germline.

All of Us Research Program, National Institutes of Health
Classification: Likely benign for Hypertrophic cardiomyopathy. Last evaluated: 2023-10-02. Review status: criteria provided, single submitter. Criteria: ACMG Guidelines, 2015. Collection method: clinical testing. Allele origin: germline. Inheritance: Autosomal dominant inheritance. Observed: 1 variant allele, 1 heterozygote.
Comment: This study involves interpretation of variants in research participants for the purpose of population health screening. Participant phenotype was not available at the time of variant classification. Additional details can be found in publication PMID: 35346344, PMCID: PMC8962531

CeGaT Center for Human Genetics Tuebingen
Classification: Likely benign. Last evaluated: 2022-09-01. Review status: criteria provided, single submitter. Criteria: CeGaT Center For Human Genetics Tuebingen Variant Classification Criteria Version 2. Collection method: clinical testing. Allele origin: germline. Affected: yes. Observed: 1 variant allele.
Comment: TNNI3: BP4, BP7

Color Diagnostics, LLC DBA Color Health
Classification: Likely benign for Cardiomyopathy. Last evaluated: 2019-12-03. Review status: criteria provided, single submitter. Criteria: ACMG Guidelines, 2015. Collection method: clinical testing. Allele origin: germline.

NM_000363.5(TNNI3):c.522G>A (p.Lys174=)

Gene: TNNI3 (troponin I3, cardiac type; minus strand). Cytogenetic location: 19q13.42.
Variant type: single nucleotide variant.
Coding change: c.522G>A on transcript NM_000363.5 (MANE Select); coding-DNA position 522, G replaced by A.
Protein change: p.Lys174=; no amino-acid change (lysine 174 retained).
Molecular consequence: synonymous variant.
Genome position (GRCh38, 1-based): chr19:55,154,057, C>T on the plus strand (G>A on the coding strand, the complement: TNNI3 is on the minus strand). VCF-style: chr19-55154057-C-T. GRCh37 (hg19) VCF-style: chr19-55665425-C-T.
Identifiers: ClinVar variation 919078 (VCV000919078.28), dbSNP rs730880231, ClinGen allele CA508989376.